The following is an entry in ClinVar:

ClinVar aggregate classification (germline): Conflicting classifications of pathogenicity. Review status: criteria provided, conflicting classifications (1 of 4 stars). 4 submissions from 3 submitters: Pathogenic (1); Uncertain significance (2). 1 of the submissions does not count toward it. Last evaluated 2023-04-16.

Conditions:
Transitory neonatal diabetes mellitus. Also called: Transient neonatal diabetes mellitus. Identifiers: MedGen C0342273, MONDO:0020525, HP:0008255.
Maturity-onset diabetes of the young (MODY). Also called: Maturity onset diabetes mellitus in young. Identifiers: Orphanet 552, MedGen C0342276, MONDO:0018911, HP:0004904.
Hyperinsulinemic hypoglycemia, familial, 1 (HHF1). Also called: Persistent Hyperinsulinemia Hypoglycemia of Infancy; HYPERINSULINISM, FAMILIAL, WITH PANCREATIC NESIDIOBLASTOSIS; HYPOGLYCEMIA, HYPERINSULINEMIC, OF INFANCY; NESIDIOBLASTOSIS OF PANCREAS; Persistent hyperinsulinemic hypoglycemia of infancy. Identifiers: Orphanet 276575, Orphanet 276598, MedGen C2931832, MONDO:0009734, OMIM 256450.

Submissions (4):

Labcorp Genetics (formerly Invitae), Labcorp
Classification: Pathogenic. Last evaluated: 2023-04-16. Review status: criteria provided, single submitter. Criteria: Invitae Variant Classification Sherloc (09022015). Collection method: clinical testing. Allele origin: germline.
Comment: For these reasons, this variant has been classified as Pathogenic. Algorithms developed to predict the effect of sequence changes on RNA splicing suggest that this variant may disrupt the consensus splice site. ClinVar contains an entry for this variant (Variation ID: 371155). This variant is also known as c.4119+1del. This variant has not been reported in the literature in individuals affected with ABCC8-related conditions. This variant is not present in population databases (gnomAD no frequency). This sequence change creates a premature translational stop signal (p.Ile1374Serfs*86) in the ABCC8 gene. It is expected to result in an absent or disrupted protein product. Loss-of-function variants in ABCC8 are known to be pathogenic (PMID: 20685672, 23345197).

Clinical Genomics, Uppaluri K&H Personalized Medicine Clinic
Classification: Uncertain significance for Maturity-onset diabetes of the young. Review status: criteria provided, single submitter. Criteria: K & H Uppaluri Personalized Medicine Clinic Variant Classification & Assertion Criteria_Updated V.1. Collection method: research. Allele origin: somatic. Inheritance: Somatic mutation.
Comment: Mutations in ABCC8 gene are associated with both neonatal diabetes mellitus as well as MODY. Patients with this mutation may have a better response to sulfonylureas. However, no sufficient evidence is found to ascertain the role of this particular variant (rs1057517050) in MODY yet.

Clinical Genomics, Uppaluri K&H Personalized Medicine Clinic
Classification: Uncertain significance for Transitory neonatal diabetes mellitus. Review status: criteria provided, single submitter. Criteria: K & H Uppaluri Personalized Medicine Clinic Variant Classification & Assertion Criteria_Updated V.1. Collection method: research. Allele origin: unknown.
Comment: Mutations in ABCC8 gene are associated with both neonatal diabetes mellitus as well as MODY. Patients with this mutation may have a better response to sulfonylureas. However, no sufficient evidence is found to ascertain the role of this particular variant (rs1057517050 ) in neonatal diabetes yet.

Counsyl
Classification: Likely pathogenic for Hyperinsulinemic hypoglycemia, familial, 1. Last evaluated: 2016-07-19. Review status: no assertion criteria provided. Collection method: clinical testing. Allele origin: unknown. Not counted in ClinVar's aggregate classification.

Literature cited by the submitters: PubMed 20685672 (cited by Labcorp Genetics (formerly Invitae), Labcorp); PubMed 23345197 (cited by Labcorp Genetics (formerly Invitae), Labcorp); PubMed 16885549 (cited by Clinical Genomics, Uppaluri K&H Personalized Medicine Clinic); PubMed 21989597 (cited by Clinical Genomics, Uppaluri K&H Personalized Medicine Clinic); PubMed 27538677 (cited by Clinical Genomics, Uppaluri K&H Personalized Medicine Clinic); PubMed 18981553 (cited by Clinical Genomics, Uppaluri K&H Personalized Medicine Clinic); PubMed 32027066 (cited by Clinical Genomics, Uppaluri K&H Personalized Medicine Clinic); PubMed 16613899 (cited by Clinical Genomics, Uppaluri K&H Personalized Medicine Clinic); PubMed 18025408 (cited by Clinical Genomics, Uppaluri K&H Personalized Medicine Clinic); PubMed 32792356 (cited by Clinical Genomics, Uppaluri K&H Personalized Medicine Clinic).

NM_000352.6(ABCC8):c.4119+1del

Gene: ABCC8 (ATP binding cassette subfamily C member 8; minus strand). Cytogenetic location: 11p15.1.
Variant type: Deletion.
Coding change: c.4119+1del on transcript NM_000352.6 (MANE Select); the canonical splice donor site of the intron after coding-DNA position 4119, one base deleted (G; older notation c.4119+1delG).
Molecular consequence: splice donor variant.
Genome position (GRCh38, 1-based): chr11:17,396,915, C deleted on the plus strand (G on the coding strand, the reverse complement: ABCC8 is on the minus strand); the first of 2 consecutive C bases (chr11:17,396,915-17,396,916); deleting either gives the same sequence. VCF-style (leftmost placement, unchanged base first): chr11-17396914-AC-A. GRCh37 (hg19) VCF-style: chr11-17418461-AC-A.
Other names: c.4119+1delG (NM_000352.3); c.4116+1del (NM_001351297.2); c.4119+1del (NM_001351296.2); c.4185+1del (NM_001351295.2); c.4122+1del (NM_001287174.3).
Identifiers: ClinVar variation 371155 (VCV000371155.8), dbSNP rs1057517050, ClinGen allele CA16041437.